The following is an entry in ClinVar:

NM_032119.4(ADGRV1):c.6637G>C (p.Ala2213Pro)

Gene: ADGRV1 (adhesion G protein-coupled receptor V1; plus strand). Cytogenetic location: 5q14.3.
Variant type: single nucleotide variant.
Coding change: c.6637G>C on transcript NM_032119.4 (MANE Select); coding-DNA position 6637, G replaced by C.
Protein change: p.Ala2213Pro; replaces alanine 2213 with proline.
Molecular consequence: missense variant. On other transcripts: non-coding transcript variant (1).
Genome position (GRCh38, 1-based): chr5:90,690,007, G>C. VCF-style: chr5-90690007-G-C. GRCh37 (hg19) VCF-style: chr5-89985824-G-C.
Other names: short protein forms A2213P.
Identifiers: ClinVar variation 1402460 (VCV001402460.5), dbSNP rs762017545, ClinGen allele CA360366644.
Genomic context (GRCh38, chr5:90,690,007, plus strand): 5'-ATCTATCCTGAACTGGAAGAATCTTTTCTTGTGCAACTGATGAATGAAACAACAGGAGGA[G>C]CCAGACTAGGGGCTTTAACAGAGGCAGTCATTATTATTGAGGCCTCTGATGACCCCTATG-3'
Protein context (NP_115495.3, residues 2203-2223): VQLMNETTGG[Ala2213Pro]RLGALTEAVI

ClinVar aggregate classification (germline): Uncertain significance (1 of 4 stars; one submission).

gnomAD v4.1: 1 of 1,603,992 alleles (0.000062%); highest among the groups gnomAD compares: Admixed American, 0.0017%; no homozygotes.

Submission:

Labcorp Genetics (formerly Invitae), Labcorp
Classification: Uncertain significance. Last evaluated: 2021-09-24. Review status: criteria provided, single submitter. Criteria: Invitae Variant Classification Sherloc (09022015). Collection method: clinical testing. Allele origin: germline.
Comment: This sequence change replaces alanine with proline at codon 2213 of the ADGRV1 protein (p.Ala2213Pro). The alanine residue is highly conserved and there is a small physicochemical difference between alanine and proline. This variant is not present in population databases (ExAC no frequency). This variant has not been reported in the literature in individuals with ADGRV1-related conditions. Algorithms developed to predict the effect of missense changes on protein structure and function are either unavailable or do not agree on the potential impact of this missense change (SIFT: "Deleterious"; PolyPhen-2: "Possibly Damaging"; Align-GVGD: "Class C0"). In summary, the available evidence is currently insufficient to determine the role of this variant in disease. Therefore, it has been classified as a Variant of Uncertain Significance.